The following is an entry in ClinVar:

ClinVar aggregate classification (germline): Benign (1 of 4 stars; one submission).

Allele frequency attached by ClinVar (database versions not stated): gnomAD exomes 0.00057; TOPMed 0.00394; 1000 Genomes Project 0.00559; 1000 Genomes Project 30x 0.00625.
gnomAD v4.1: 548 of 184,796 alleles (0.3%); highest among the groups gnomAD compares: African/African-American, 1.2%; 4 homozygotes.

Submission:

CeGaT Center for Human Genetics Tuebingen
Classification: Benign. Last evaluated: 2023-05-01. Review status: criteria provided, single submitter. Criteria: CeGaT Center For Human Genetics Tuebingen Variant Classification Criteria Version 2. Collection method: clinical testing. Allele origin: germline. Affected: yes. Observed: 3 variant alleles.
Comment: CUL3: BS1, BS2

NM_003590.5(CUL3):c.*669T>C

Gene: CUL3 (cullin 3; minus strand). Cytogenetic location: 2q36.2.
Variant type: single nucleotide variant.
Coding change: c.*669T>C on transcript NM_003590.5 (MANE Select); 669 bases downstream of the stop codon, T replaced by C.
Molecular consequence: 3 prime UTR variant.
Genome position (GRCh38, 1-based): chr2:224,473,576, A>G on the plus strand (T>C on the coding strand, the complement: CUL3 is on the minus strand). VCF-style: chr2-224473576-A-G. GRCh37 (hg19) VCF-style: chr2-225338293-A-G.
Other names: c.*669T>C (NM_001257197.2, NM_001257198.2).
Identifiers: ClinVar variation 1711527 (VCV001711527.30), dbSNP rs147054027, ClinGen allele CA65901116.
Genomic context (GRCh38, chr2:224,473,576, plus strand): 5'-TTTACACATACTAAAATACTTTCTTTCTCTAGAAATAACTCAGAACAAAACCTAATCATT[A>G]TAAGACTTAATTTGGGAAATCTCAAATTACAACAGGGAGAAACCAAATCAGGATGTGTAC-3'